The following is an entry in ClinVar:

NM_000384.3(APOB):c.8052G>A (p.Leu2684=)

Gene: APOB (apolipoprotein B; minus strand). Cytogenetic location: 2p24.1.
Variant type: single nucleotide variant.
Coding change: c.8052G>A on transcript NM_000384.3 (MANE Select); coding-DNA position 8052, G replaced by A.
Protein change: p.Leu2684=; no amino-acid change (leucine 2684 retained).
Molecular consequence: synonymous variant.
Genome position (GRCh38, 1-based): chr2:21,008,816, C>T on the plus strand (G>A on the coding strand, the complement: APOB is on the minus strand). VCF-style: chr2-21008816-C-T. GRCh37 (hg19) VCF-style: chr2-21231688-C-T.
Identifiers: ClinVar variation 922586 (VCV000922586.37), dbSNP rs778351930, ClinGen allele CA065084.

ClinVar aggregate classification (germline): Likely benign. Review status: criteria provided, multiple submitters, no conflicts (2 of 4 stars). 3 submissions from 3 submitters: Likely benign (3). Last evaluated 2024-12-31.

Conditions:
Hypercholesterolemia, autosomal dominant, type B (FHCL2). Also called: Familial Hypercholesterolemia Type B; Hyperlipoproteinemia Type IIb; APOB-Related Familial Hypercholesterolemia, Autosomal Dominant; Familial hypercholesterolemia 2; HYPERCHOLESTEROLEMIA, FAMILIAL, DUE TO LIGAND-DEFECTIVE APOLIPOPROTEIN B; APOLIPOPROTEIN B-100, FAMILIAL DEFECTIVE. Identifiers: MedGen C1704417, MONDO:0007751, OMIM 144010.
Familial hypobetalipoproteinemia 1. Also called: Hypobetalipoproteinemia, normotriglyceridemic; Acanthocytosis with hypobetalipoproteinemia; APOB-Related Familial Hypobetalipoproteinemia. Identifiers: MedGen C4551990, MONDO:0014252, OMIM 615558.
Cardiovascular phenotype. Identifiers: MedGen CN230736.

Allele frequency attached by ClinVar (database versions not stated): gnomAD exomes 0.00001 and 0.00002; ExAC 0.00003.
gnomAD v4.1: 22 of 1,614,050 alleles (0.0014%); highest among the groups gnomAD compares: South Asian, 0.02%; no homozygotes.

Submissions (3):

Ambry Genetics
Classification: Likely benign for Cardiovascular phenotype. Last evaluated: 2024-12-31. Review status: criteria provided, single submitter. Criteria: Ambry Variant Classification Scheme 2023. Collection method: clinical testing. Allele origin: germline.

CeGaT Center for Human Genetics Tuebingen
Classification: Likely benign. Last evaluated: 2022-04-01. Review status: criteria provided, single submitter. Criteria: CeGaT Center For Human Genetics Tuebingen Variant Classification Criteria Version 2. Collection method: clinical testing. Allele origin: germline. Affected: yes. Observed: 1 variant allele.
Comment: APOB: BP4, BP7

Labcorp Genetics (formerly Invitae), Labcorp
Classification: Likely benign for Familial hypobetalipoproteinemia 1; Hypercholesterolemia, autosomal dominant, type B. Last evaluated: 2020-10-30. Review status: criteria provided, single submitter. Criteria: Invitae Variant Classification Sherloc (09022015). Collection method: clinical testing. Allele origin: germline.